The following is an entry in ClinVar:

ClinVar aggregate classification (germline): Likely benign (1 of 4 stars; one submission).

Allele frequency attached by ClinVar (database versions not stated): gnomAD exomes below 0.00001.
gnomAD v4.1: 2 of 1,614,178 alleles (0.00012%); highest among the groups gnomAD compares: Non-Finnish European, 0.00017%; no homozygotes.

Submission:

GeneDx
Classification: Likely benign. Last evaluated: 2015-12-22. Review status: criteria provided, single submitter. Criteria: GeneDx Variant Classification (06012015). Collection method: clinical testing. Allele origin: germline. Affected: yes.
Comment: This variant is considered likely benign or benign based on one or more of the following criteria: it is a conservative change, it occurs at a poorly conserved position in the protein, it is predicted to be benign by multiple in silico algorithms, and/or has population frequency not consistent with disease.

NM_016729.3(FOLR1):c.358-18T>A

Genes: FOLR1 (folate receptor alpha; plus strand), FOLR1-AS1 (FOLR1 antisense RNA 1; minus strand). Cytogenetic location: 11q13.4.
Variant type: single nucleotide variant.
Coding change: c.358-18T>A on transcript NM_016729.3 (MANE Select); 18 bases into the intron before coding-DNA position 358, T replaced by A.
Molecular consequence: intron variant.
Genome position (GRCh38, 1-based): chr11:72,195,594, T>A. VCF-style: chr11-72195594-T-A. GRCh37 (hg19) VCF-style: chr11-71906638-T-A.
Other names: c.358-18T>A (NM_016724.3, NM_016725.3, NM_000802.3).
Identifiers: ClinVar variation 382335 (VCV000382335.1), dbSNP rs1057521333, ClinGen allele CA16606020.